The following is an entry in ClinVar:

NM_000179.3(MSH6):c.3111C>T (p.Phe1037=)

Gene: MSH6 (mutS homolog 6; plus strand). Cytogenetic location: 2p16.3.
Variant type: single nucleotide variant.
Coding change: c.3111C>T on transcript NM_000179.3 (MANE Select); coding-DNA position 3111, C replaced by T.
Protein change: p.Phe1037=; no amino-acid change (phenylalanine 1037 retained).
Molecular consequence: synonymous variant.
Genome position (GRCh38, 1-based): chr2:47,801,094, C>T. VCF-style: chr2-47801094-C-T. GRCh37 (hg19) VCF-style: chr2-48028233-C-T.
Other names: c.2721C>T, p.Phe907= (NM_001281492.2); c.2205C>T, p.Phe735= (NM_001281493.2, NM_001281494.2).
Identifiers: ClinVar variation 486892 (VCV000486892.18), dbSNP rs587781673, ClinGen allele CA426121988.

ClinVar aggregate classification (germline): Benign/Likely benign. Review status: criteria provided, multiple submitters, no conflicts (2 of 4 stars). 4 submissions from 4 submitters: Benign (1); Likely benign (3). Last evaluated 2025-06-01.

Conditions:
MSH6-related disorder. Also called: MSH6-related condition; MSH6-Related disorders.
Hereditary nonpolyposis colorectal neoplasms. Identifiers: MedGen C0009405, MeSH D003123.
Hereditary cancer-predisposing syndrome. Also called: Neoplastic Syndromes, Hereditary; Hereditary Cancer Syndrome; Tumor predisposition; Hereditary neoplastic syndrome. Identifiers: Orphanet 140162, MedGen C0027672, MeSH D009386, MONDO:0015356.
Lynch syndrome 5 (LYNCH5). Also called: Colorectal cancer, hereditary nonpolyposis, type 5; Hereditary non-polyposis colorectal cancer, type 5. Identifiers: Orphanet 144, MedGen C1833477, MONDO:0013710, OMIM 614350. Disease mechanism: loss of function.

Submissions (4):

PreventionGenetics, part of Exact Sciences
Classification: Likely benign for MSH6-related condition. Last evaluated: 2025-06-01. Review status: criteria provided, single submitter. Criteria: ACMG Guidelines, 2015. Collection method: clinical testing. Allele origin: germline.
Comment: This variant is classified as likely benign based on ACMG/AMP sequence variant interpretation guidelines (Richards et al. 2015 PMID: 25741868, with internal and published modifications).

Myriad Genetics, Inc.
Classification: Benign for Lynch syndrome 5. Last evaluated: 2025-01-03. Review status: criteria provided, single submitter. Criteria: Myriad Autosomal Dominant, Autosomal Recessive and X-Linked Classification Criteria (2023). Collection method: clinical testing. Allele origin: unknown.
Comment: This variant is considered benign. This variant is a silent/synonymous amino acid change and it is not expected to impact splicing.

Labcorp Genetics (formerly Invitae), Labcorp
Classification: Likely benign for Hereditary nonpolyposis colorectal neoplasms. Last evaluated: 2024-04-22. Review status: criteria provided, single submitter. Criteria: Invitae Variant Classification Sherloc (09022015). Collection method: clinical testing. Allele origin: germline.

Ambry Genetics
Classification: Likely benign for Hereditary cancer-predisposing syndrome. Last evaluated: 2016-02-15. Review status: criteria provided, single submitter. Criteria: Ambry Variant Classification Scheme 2023. Collection method: clinical testing. Allele origin: germline.